The following is an entry in ClinVar:

ClinVar aggregate classification (germline): Likely benign. Review status: criteria provided, multiple submitters, no conflicts (2 of 4 stars). 2 submissions from 2 submitters: Likely benign (2). Last evaluated 2025-10-01.

gnomAD v4.1: 33 of 1,614,126 alleles (0.002%); highest among the groups gnomAD compares: Non-Finnish European, 0.0027%; no homozygotes.

Submissions (2):

CeGaT Center for Human Genetics Tuebingen
Classification: Likely benign. Last evaluated: 2025-10-01. Review status: criteria provided, single submitter. Criteria: CeGaT Center For Human Genetics Tuebingen Variant Classification Criteria Version 2. Collection method: clinical testing. Allele origin: germline. Affected: yes. Observed: 1 variant allele.
Comment: ATP2B2: BP4, BP7

Labcorp Genetics (formerly Invitae), Labcorp
Classification: Likely benign. Last evaluated: 2025-04-14. Review status: criteria provided, single submitter. Criteria: Invitae Variant Classification Sherloc (09022015). Collection method: clinical testing. Allele origin: germline.

NM_001001331.4(ATP2B2):c.2955G>A (p.Ala985=)

Gene: ATP2B2 (ATPase plasma membrane Ca2+ transporting 2; minus strand). Cytogenetic location: 3p25.3.
Variant type: single nucleotide variant.
Coding change: c.2955G>A on transcript NM_001001331.4 (MANE Select); coding-DNA position 2955, G replaced by A.
Protein change: p.Ala985=; no amino-acid change (alanine 985 retained).
Molecular consequence: synonymous variant.
Genome position (GRCh38, 1-based): chr3:10,340,667, C>T on the plus strand (G>A on the coding strand, the complement: ATP2B2 is on the minus strand). VCF-style: chr3-10340667-C-T. GRCh37 (hg19) VCF-style: chr3-10382351-C-T.
Other names: c.2820G>A, p.Ala940= (NM_001330611.3, NM_001353564.1, NM_001363862.1 and 2 more transcripts); c.2862G>A, p.Ala954= (NM_001438646.1).
Identifiers: ClinVar variation 4534001 (VCV004534001.7).